The following is an entry in ClinVar:

NM_001928.4(CFD):c.278G>A (p.Arg93His)

Gene: CFD (complement factor D; plus strand). Cytogenetic location: 19p13.3.
Variant type: single nucleotide variant.
Coding change: c.278G>A on transcript NM_001928.4 (MANE Select); coding-DNA position 278, G replaced by A.
Protein change: p.Arg93His; replaces arginine 93 with histidine.
Molecular consequence: missense variant.
Genome position (GRCh38, 1-based): chr19:860,926, G>A. VCF-style: chr19-860926-G-A. GRCh37 (hg19) VCF-style: chr19-860926-G-A.
Other names: c.299G>A, p.Arg100His (NM_001317335.2); short protein forms R100H, R93H.
Identifiers: ClinVar variation 1363673 (VCV001363673.4), dbSNP rs1269237430, ClinGen allele CA402921103.

ClinVar aggregate classification (germline): Uncertain significance (1 of 4 stars; one submission).

Allele frequency attached by ClinVar (database versions not stated): gnomAD 0.00001; gnomAD exomes 0.00001.
gnomAD v4.1: 4 of 1,600,322 alleles (0.00025%); highest among the groups gnomAD compares: Non-Finnish European, 0.00034%; no homozygotes.

Submission:

Labcorp Genetics (formerly Invitae), Labcorp
Classification: Uncertain significance. Last evaluated: 2021-10-23. Review status: criteria provided, single submitter. Criteria: Invitae Variant Classification Sherloc (09022015). Collection method: clinical testing. Allele origin: germline.
Comment: In summary, the available evidence is currently insufficient to determine the role of this variant in disease. Therefore, it has been classified as a Variant of Uncertain Significance. Algorithms developed to predict the effect of missense changes on protein structure and function output the following: SIFT: "Not Available"; PolyPhen-2: "Benign"; Align-GVGD: "Not Available". The histidine amino acid residue is found in multiple mammalian species, which suggests that this missense change does not adversely affect protein function. This variant has not been reported in the literature in individuals affected with CFD-related conditions. This variant is not present in population databases (ExAC no frequency). This sequence change replaces arginine with histidine at codon 93 of the CFD protein (p.Arg93His). The arginine residue is moderately conserved and there is a small physicochemical difference between arginine and histidine.